The following is an entry in ClinVar:

NM_000787.4(DBH):c.*840C>T

Gene: DBH (dopamine beta-hydroxylase; plus strand). Cytogenetic location: 9q34.2.
Variant type: single nucleotide variant.
Coding change: c.*840C>T on transcript NM_000787.4 (MANE Select); 840 bases downstream of the stop codon, C replaced by T.
Molecular consequence: 3 prime UTR variant.
Genome position (GRCh38, 1-based): chr9:133,659,287, C>T. VCF-style: chr9-133659287-C-T. GRCh37 (hg19) VCF-style: chr9-136524409-C-T.
Identifiers: ClinVar variation 913921 (VCV000913921.4), dbSNP rs143836755, ClinGen allele CA200983123.

ClinVar aggregate classification (germline): Benign (1 of 4 stars; one submission).

Conditions:
Orthostatic hypotension 1 (ORTHYP1). Also called: NORADRENALINE DEFICIENCY; NOREPINEPHRINE DEFICIENCY; Orthostatic hypotension 1, due to DBH deficiency; Dopamine beta-hydroxylase deficiency. Identifiers: Orphanet 230, MedGen C4746777, MONDO:0009123, OMIM 223360.

Allele frequency attached by ClinVar (database versions not stated): gnomAD 0.00456 and 0.00487; 1000 Genomes Project 0.00519; TOPMed 0.00557; 1000 Genomes Project 30x 0.00562.

Submission:

Illumina Laboratory Services, Illumina
Classification: Benign for Orthostatic hypotension 1. Last evaluated: 2018-01-12. Review status: criteria provided, single submitter. Criteria: ICSL Variant Classification Criteria 13 December 2019. Collection method: clinical testing. Allele origin: germline.
Comment: This variant was observed in the ICSL laboratory as part of a predisposition screen in an ostensibly healthy population. It had not been previously curated by ICSL or reported in the Human Gene Mutation Database (HGMD: prior to June 1st, 2018), and was therefore a candidate for classification through an automated scoring system. Utilizing variant allele frequency, disease prevalence and penetrance estimates, and inheritance mode, an automated score was calculated to assess if this variant is too frequent to cause the disease. Based on the score and internal cut-off values, a variant classified as benign is not then subjected to further curation. The score for this variant resulted in a classification of benign for this disease.